The following is an entry in ClinVar:

NM_006946.4(SPTBN2):c.1753G>A (p.Glu585Lys)

Gene: SPTBN2 (spectrin beta, non-erythrocytic 2; minus strand). Cytogenetic location: 11q13.2.
Variant type: single nucleotide variant.
Coding change: c.1753G>A on transcript NM_006946.4 (MANE Select); coding-DNA position 1753, G replaced by A.
Protein change: p.Glu585Lys; replaces glutamic acid 585 with lysine.
Molecular consequence: missense variant.
Genome position (GRCh38, 1-based): chr11:66,705,738, C>T on the plus strand (G>A on the coding strand, the complement: SPTBN2 is on the minus strand). VCF-style: chr11-66705738-C-T. GRCh37 (hg19) VCF-style: chr11-66473209-C-T.
Other names: c.1753G>A (NM_006946.2); short protein forms E585K.
Identifiers: ClinVar variation 1384886 (VCV001384886.10), dbSNP rs573639670, ClinGen allele CA224086701.

ClinVar aggregate classification (germline): Uncertain significance. Review status: criteria provided, multiple submitters, no conflicts (2 of 4 stars). 3 submissions from 3 submitters: Uncertain significance (3). Last evaluated 2024-01-03.

Conditions:
Inborn genetic diseases. Identifiers: MedGen C0950123, MeSH D030342.

Allele frequency attached by ClinVar (database versions not stated): gnomAD exomes below 0.00001 and 0.00001; gnomAD 0.00001 and 0.00002; TOPMed 0.00001; 1000 Genomes Project 30x 0.00016; 1000 Genomes Project 0.00020.
gnomAD v4.1: 22 of 1,612,586 alleles (0.0014%); highest among the groups gnomAD compares: Admixed American, 0.0017%; no homozygotes.

Submissions (3):

Women's Health and Genetics/Laboratory Corporation of America, LabCorp
Classification: Uncertain significance. Last evaluated: 2024-01-03. Review status: criteria provided, single submitter. Criteria: LabCorp Variant Classification Summary - May 2015. Collection method: clinical testing. Allele origin: germline.
Comment: Variant summary: SPTBN2 c.1753G>A (p.Glu585Lys) results in a conservative amino acid change in the encoded protein sequence. Three of five in-silico tools predict a damaging effect of the variant on protein function. The variant allele was found at a frequency of 4.1e-06 in 245260 control chromosomes. The available data on variant occurrences in the general population are insufficient to allow any conclusion about variant significance. To our knowledge, no occurrence of c.1753G>A in individuals affected with Spinocerebellar Ataxia 5 and no experimental evidence demonstrating its impact on protein function have been reported. Two submitters have cited clinical-significance assessments for this variant to ClinVar after 2014. All submitters classified the variant as uncertain significance. Based on the evidence outlined above, the variant was classified as uncertain significance.

Labcorp Genetics (formerly Invitae), Labcorp
Classification: Uncertain significance. Last evaluated: 2021-08-15. Review status: criteria provided, single submitter. Criteria: Invitae Variant Classification Sherloc (09022015). Collection method: clinical testing. Allele origin: germline.
Comment: In summary, the available evidence is currently insufficient to determine the role of this variant in disease. Therefore, it has been classified as a Variant of Uncertain Significance. Advanced modeling of protein sequence and biophysical properties (such as structural, functional, and spatial information, amino acid conservation, physicochemical variation, residue mobility, and thermodynamic stability) performed at Invitae indicates that this missense variant is not expected to disrupt SPTBN2 protein function. This variant has not been reported in the literature in individuals with SPTBN2-related conditions. This variant is not present in population databases (ExAC no frequency). This sequence change replaces glutamic acid with lysine at codon 585 of the SPTBN2 protein (p.Glu585Lys). The glutamic acid residue is highly conserved and there is a small physicochemical difference between glutamic acid and lysine.

Ambry Genetics
Classification: Uncertain significance for Inborn genetic diseases. Last evaluated: 2021-05-17. Review status: criteria provided, single submitter. Criteria: Ambry Variant Classification Scheme 2023. Collection method: clinical testing. Allele origin: germline.